The following is an entry in ClinVar:

ClinVar aggregate classification (germline): Conflicting classifications of pathogenicity. Review status: criteria provided, conflicting classifications (1 of 4 stars). 3 submissions from 3 submitters: Uncertain significance (2); Likely benign (1). Last evaluated 2025-11-18.

Conditions:
Gastrointestinal stromal tumor. Also called: Gastrointestinal stromal tumor, somatic; Gastrointestinal stroma tumor. Identifiers: Orphanet 44890, MedGen C0238198, MeSH D046152, MONDO:0011719, OMIM 606764, HP:0100723.
Hereditary cancer-predisposing syndrome. Also called: Neoplastic Syndromes, Hereditary; Tumor predisposition; Hereditary Cancer Syndrome; Hereditary neoplastic syndrome. Identifiers: Orphanet 140162, MedGen C0027672, MeSH D009386, MONDO:0015356.

Allele frequency attached by ClinVar (database versions not stated): gnomAD exomes below 0.00001; gnomAD 0.00001; TOPMed 0.00001; ESP Exome Variant Server 0.00008.
gnomAD v4.1: 1 of 1,614,042 alleles (0.000062%); highest among the groups gnomAD compares: Non-Finnish European, 0.000085%; no homozygotes.

Submissions (3):

Labcorp Genetics (formerly Invitae), Labcorp
Classification: Uncertain significance for Gastrointestinal stromal tumor. Last evaluated: 2025-11-18. Review status: criteria provided, single submitter. Criteria: Invitae Variant Classification Sherloc (09022015). Collection method: clinical testing. Allele origin: germline.
Comment: This sequence change replaces glutamine, which is neutral and polar, with glutamic acid, which is acidic and polar, at codon 152 of the KIT protein (p.Gln152Glu). This variant is not present in population databases (gnomAD no frequency). This variant has not been reported in the literature in individuals affected with KIT-related conditions. ClinVar contains an entry for this variant (Variation ID: 861400). An algorithm developed to predict the effect of missense changes on protein structure and function outputs the following: PolyPhen-2: "Benign". The glutamic acid amino acid residue is found in multiple mammalian species, which suggests that this missense change does not adversely affect protein function. In summary, the available evidence is currently insufficient to determine the role of this variant in disease. Therefore, it has been classified as a Variant of Uncertain Significance.

Ambry Genetics
Classification: Likely benign for Hereditary cancer-predisposing syndrome. Last evaluated: 2024-12-19. Review status: criteria provided, single submitter. Criteria: Ambry Variant Classification Scheme 2023. Collection method: clinical testing. Allele origin: germline.

GeneDx
Classification: Uncertain significance. Last evaluated: 2024-04-11. Review status: criteria provided, single submitter. Criteria: GeneDx Variant Classification Process June 2021. Collection method: clinical testing. Allele origin: germline. Affected: yes.
Comment: Not observed at significant frequency in large population cohorts (gnomAD); In silico analysis indicates that this missense variant does not alter protein structure/function; Has not been previously published as pathogenic or benign to our knowledge

NM_000222.3(KIT):c.454C>G (p.Gln152Glu)

Gene: KIT (KIT proto-oncogene, receptor tyrosine kinase; plus strand). Cytogenetic location: 4q12.
Variant type: single nucleotide variant.
Coding change: c.454C>G on transcript NM_000222.3 (MANE Select); coding-DNA position 454, C replaced by G.
Protein change: p.Gln152Glu; replaces glutamine 152 with glutamic acid.
Molecular consequence: missense variant.
Genome position (GRCh38, 1-based): chr4:54,698,400, C>G. VCF-style: chr4-54698400-C-G. GRCh37 (hg19) VCF-style: chr4-55564566-C-G.
Other names: c.454C>G, p.Gln152Glu (NM_001093772.2, NM_001385284.1, NM_001385285.1 and 4 more transcripts); short protein forms Q152E.
Identifiers: ClinVar variation 861400 (VCV000861400.10), dbSNP rs145053429, ClinGen allele CA96847996.